The following is an entry in ClinVar:

NM_006031.6(PCNT):c.1169A>G (p.Glu390Gly)

Gene: PCNT (pericentrin; plus strand). Cytogenetic location: 21q22.3.
Variant type: single nucleotide variant.
Coding change: c.1169A>G on transcript NM_006031.6 (MANE Select); coding-DNA position 1169, A replaced by G.
Protein change: p.Glu390Gly; replaces glutamic acid 390 with glycine.
Molecular consequence: missense variant.
Genome position (GRCh38, 1-based): chr21:46,349,148, A>G. VCF-style: chr21-46349148-A-G. GRCh37 (hg19) VCF-style: chr21-47769062-A-G.
Other names: c.815A>G, p.Glu272Gly (NM_001315529.2); short protein forms E390G, E272G.
Identifiers: ClinVar variation 2824006 (VCV002824006.3), dbSNP rs2518077382, ClinGen allele CA410556067.
Genomic context (GRCh38, chr21:46,349,148, plus strand): 5'-AATCAGAAATGGAGGATTTACAAAACCAGTTTCAGAAAGAATTGGCAGAACAGAGAGCTG[A>G]GTTGGAGAAGATTTTTCAAGACAAAAACCAGGCTGAACGTAAGTAATGAAAATGAGCAAG-3'
Protein context (NP_006022.3, residues 380-400): FQKELAEQRA[Glu390Gly]LEKIFQDKNQ

ClinVar aggregate classification (germline): Uncertain significance (1 of 4 stars; one submission).

Submission:

Labcorp Genetics (formerly Invitae), Labcorp
Classification: Uncertain significance. Last evaluated: 2023-12-19. Review status: criteria provided, single submitter. Criteria: Invitae Variant Classification Sherloc (09022015). Collection method: clinical testing. Allele origin: germline.
Comment: This sequence change replaces glutamic acid, which is acidic and polar, with glycine, which is neutral and non-polar, at codon 390 of the PCNT protein (p.Glu390Gly). This variant is not present in population databases (gnomAD no frequency). This variant has not been reported in the literature in individuals affected with PCNT-related conditions. An algorithm developed to predict the effect of missense changes on protein structure and function (PolyPhen-2) suggests that this variant is likely to be disruptive. In summary, the available evidence is currently insufficient to determine the role of this variant in disease. Therefore, it has been classified as a Variant of Uncertain Significance.